The following is an entry in ClinVar:

ClinVar aggregate classification (germline): Uncertain significance. Review status: criteria provided, multiple submitters, no conflicts (2 of 4 stars). 2 submissions from 2 submitters: Uncertain significance (2). Last evaluated 2025-06-02.

Conditions:
Primary ciliary dyskinesia. Also called: Ciliary dyskinesia. Identifiers: Orphanet 244, MedGen C0008780, MONDO:0016575, HP:0012265.

Allele frequency attached by ClinVar (database versions not stated): ExAC 0.00001; gnomAD 0.00001; gnomAD exomes 0.00001; TOPMed 0.00001.
gnomAD v4.1: 16 of 1,614,088 alleles (0.00099%); highest among the groups gnomAD compares: Admixed American, 0.005%; no homozygotes.

Submissions (2):

Labcorp Genetics (formerly Invitae), Labcorp
Classification: Uncertain significance for Primary ciliary dyskinesia. Last evaluated: 2025-06-02. Review status: criteria provided, single submitter. Criteria: Invitae Variant Classification Sherloc (09022015). Collection method: clinical testing. Allele origin: germline.
Comment: This sequence change replaces threonine, which is neutral and polar, with methionine, which is neutral and non-polar, at codon 577 of the CCDC114 protein (p.Thr577Met). This variant is present in population databases (rs372889077, gnomAD 0.003%). This variant has not been reported in the literature in individuals affected with CCDC114-related conditions. ClinVar contains an entry for this variant (Variation ID: 2745414). An algorithm developed to predict the effect of missense changes on protein structure and function (PolyPhen-2) suggests that this variant is likely to be disruptive. In summary, the available evidence is currently insufficient to determine the role of this variant in disease. Therefore, it has been classified as a Variant of Uncertain Significance.

Blueprint Genetics
Classification: Uncertain significance. Last evaluated: 2021-09-15. Review status: criteria provided, single submitter. Criteria: ACMG Guidelines, 2015. Collection method: clinical testing. Allele origin: germline.

NM_001364171.2(ODAD1):c.1841C>T (p.Thr614Met)

Gene: ODAD1 (outer dynein arm docking complex subunit 1; minus strand). Cytogenetic location: 19q13.33.
Variant type: single nucleotide variant.
Coding change: c.1841C>T on transcript NM_001364171.2 (MANE Select); coding-DNA position 1841, C replaced by T.
Protein change: p.Thr614Met; replaces threonine 614 with methionine.
Molecular consequence: missense variant.
Genome position (GRCh38, 1-based): chr19:48,297,259, G>A on the plus strand (C>T on the coding strand, the complement: ODAD1 is on the minus strand). VCF-style: chr19-48297259-G-A. GRCh37 (hg19) VCF-style: chr19-48800516-G-A.
Other names: c.1730C>T, p.Thr577Met (NM_144577.4); short protein forms T614M, T577M.
Identifiers: ClinVar variation 2745414 (VCV002745414.4), dbSNP rs372889077, ClinGen allele CA9548552.